The following is an entry in ClinVar:

NM_005918.4(MDH2):c.523G>A (p.Val175Ile)

Gene: MDH2 (malate dehydrogenase 2; plus strand). Cytogenetic location: 7q11.23.
Variant type: single nucleotide variant.
Coding change: c.523G>A on transcript NM_005918.4 (MANE Select); coding-DNA position 523, G replaced by A.
Protein change: p.Val175Ile; replaces valine 175 with isoleucine.
Molecular consequence: missense variant. On other transcripts: intron variant (1).
Genome position (GRCh38, 1-based): chr7:76,060,466, G>A. VCF-style: chr7-76060466-G-A. GRCh37 (hg19) VCF-style: chr7-75689784-G-A.
Other names: c.202G>A, p.Val68Ile (NM_001282404.2); c.429+2388G>A (NM_001282403.2); short protein forms V175I, V68I.
Identifiers: ClinVar variation 1746283 (VCV001746283.5), dbSNP rs553033389, ClinGen allele CA4305570.

ClinVar aggregate classification (germline): Conflicting classifications of pathogenicity. Review status: criteria provided, conflicting classifications (1 of 4 stars). 3 submissions from 3 submitters: Uncertain significance (2); Likely benign (1). Last evaluated 2024-09-20.

Conditions:
Developmental and epileptic encephalopathy, 51 (DEE51). Also called: Epileptic encephalopathy, early infantile, 51. Identifiers: MedGen C4479208, MONDO:0015025, OMIM 617339.
Inborn genetic diseases. Identifiers: MedGen C0950123, MeSH D030342.

Allele frequency attached by ClinVar (database versions not stated): TOPMed 0.00002; gnomAD 0.00005; ExAC 0.00012; 1000 Genomes Project 30x 0.00047; 1000 Genomes Project 0.00060.
gnomAD v4.1: 111 of 1,614,130 alleles (0.0069%); highest among the groups gnomAD compares: South Asian, 0.081%; no homozygotes.

Submissions (3):

3billion
Classification: Likely benign for Developmental and epileptic encephalopathy, 51. Last evaluated: 2024-09-20. Review status: criteria provided, single submitter. Criteria: ACMG Guidelines, 2015. Collection method: clinical testing. Allele origin: germline. Affected: no.
Comment: The homozygous variant was found in patients diagnosed with another variant in a different gene, with no symptoms related to the gene containing the homozygous variant.

Ambry Genetics
Classification: Uncertain significance for Inborn genetic diseases. Last evaluated: 2022-09-13. Review status: criteria provided, single submitter. Criteria: Ambry Variant Classification Scheme 2023. Collection method: clinical testing. Allele origin: germline.
Comment: The p.V175I variant (also known as c.523G>A), located in coding exon 5 of the MDH2 gene, results from a G to A substitution at nucleotide position 523. The valine at codon 175 is replaced by isoleucine, an amino acid with highly similar properties. This amino acid position is conserved. In addition, the in silico prediction for this alteration is inconclusive. Since supporting evidence is limited at this time, the clinical significance of this alteration remains unclear.

Labcorp Genetics (formerly Invitae), Labcorp
Classification: Uncertain significance. Last evaluated: 2022-07-19. Review status: criteria provided, single submitter. Criteria: Invitae Variant Classification Sherloc (09022015). Collection method: clinical testing. Allele origin: germline.
Comment: This sequence change replaces valine, which is neutral and non-polar, with isoleucine, which is neutral and non-polar, at codon 175 of the MDH2 protein (p.Val175Ile). This variant is present in population databases (rs553033389, gnomAD 0.07%). This variant has not been reported in the literature in individuals affected with MDH2-related conditions. Algorithms developed to predict the effect of missense changes on protein structure and function (SIFT, PolyPhen-2, Align-GVGD) all suggest that this variant is likely to be disruptive. In summary, the available evidence is currently insufficient to determine the role of this variant in disease. Therefore, it has been classified as a Variant of Uncertain Significance.